The following is an entry in ClinVar:

NM_000059.4(BRCA2):c.6260G>T (p.Arg2087Ile)

Gene: BRCA2 (BRCA2 DNA repair associated; plus strand). Cytogenetic location: 13q13.1.
Variant type: single nucleotide variant.
Coding change: c.6260G>T on transcript NM_000059.4 (MANE Select); coding-DNA position 6260, G replaced by T.
Protein change: p.Arg2087Ile; replaces arginine 2087 with isoleucine.
Molecular consequence: missense variant.
Genome position (GRCh38, 1-based): chr13:32,340,615, G>T. VCF-style: chr13-32340615-G-T. GRCh37 (hg19) VCF-style: chr13-32914752-G-T.
Other names: c.6260G>T (NM_000059.3); short protein forms R2087I.
Identifiers: ClinVar variation 1477041 (VCV001477041.10), dbSNP rs1593908026, ClinGen allele CA387788949.

ClinVar aggregate classification (germline): Conflicting classifications of pathogenicity. Review status: criteria provided, conflicting classifications (1 of 4 stars). 3 submissions from 3 submitters: Uncertain significance (2); Likely benign (1). Last evaluated 2024-06-07.

Conditions:
Hereditary cancer-predisposing syndrome. Also called: Neoplastic Syndromes, Hereditary; Hereditary Cancer Syndrome; Tumor predisposition; Hereditary neoplastic syndrome. Identifiers: Orphanet 140162, MedGen C0027672, MeSH D009386, MONDO:0015356.
Hereditary breast ovarian cancer syndrome. Also called: Breast and ovarian cancer; Hereditary breast and ovarian cancer; Hereditary breast and ovarian cancer syndrome; Hereditary breast and ovarian cancer syndrome (HBOC); BRCA1- and BRCA2-Associated Hereditary Breast and Ovarian Cancer; Hereditary breast and/or ovarian cancer syndrome. Identifiers: Orphanet 145, MedGen C0677776, MeSH D061325, MONDO:0003582. Disease mechanism: loss of function.

Submissions (3):

Ambry Genetics
Classification: Uncertain significance for Hereditary cancer-predisposing syndrome. Last evaluated: 2024-06-07. Review status: criteria provided, single submitter. Criteria: Ambry Variant Classification Scheme 2023. Collection method: clinical testing. Allele origin: germline.
Comment: The p.R2087I variant (also known as c.6260G>T), located in coding exon 10 of the BRCA2 gene, results from a G to T substitution at nucleotide position 6260. The arginine at codon 2087 is replaced by isoleucine, an amino acid with similar properties. This amino acid position is conserved. In addition, this alteration is predicted to be tolerated by in silico analysis. Based on the available evidence, the clinical significance of this variant remains unclear.

University of Washington Department of Laboratory Medicine, University of Washington
Classification: Likely benign for Hereditary cancer-predisposing syndrome. Last evaluated: 2023-03-23. Review status: criteria provided, single submitter. Criteria: Dines et al. (Genet Med. 2020). Collection method: curation. Allele origin: germline.
Comment: Missense variant in a coldspot region where missense variants are very unlikely to be pathogenic (PMID:31911673).

BRCA2 exon 11 coldspot. Reclassification based on statistical prior probability.

Labcorp Genetics (formerly Invitae), Labcorp
Classification: Uncertain significance for Hereditary breast ovarian cancer syndrome. Last evaluated: 2021-07-22. Review status: criteria provided, single submitter. Criteria: Invitae Variant Classification Sherloc (09022015). Collection method: clinical testing. Allele origin: germline.
Comment: In summary, the available evidence is currently insufficient to determine the role of this variant in disease. Therefore, it has been classified as a Variant of Uncertain Significance. Advanced modeling of protein sequence and biophysical properties (such as structural, functional, and spatial information, amino acid conservation, physicochemical variation, residue mobility, and thermodynamic stability) performed at Invitae indicates that this missense variant is not expected to disrupt BRCA2 protein function. This variant has not been reported in the literature in individuals affected with BRCA2-related conditions. This variant is not present in population databases (ExAC no frequency). This sequence change replaces arginine with isoleucine at codon 2087 of the BRCA2 protein (p.Arg2087Ile). The arginine residue is weakly conserved and there is a moderate physicochemical difference between arginine and isoleucine.